The following is an entry in ClinVar:

NM_004329.3(BMPR1A):c.222C>T (p.Asn74=)

Gene: BMPR1A (bone morphogenetic protein receptor type 1A; plus strand). Cytogenetic location: 10q23.2.
Variant type: single nucleotide variant.
Coding change: c.222C>T on transcript NM_004329.3 (MANE Select); coding-DNA position 222, C replaced by T.
Protein change: p.Asn74=; no amino-acid change (asparagine 74 retained).
Molecular consequence: synonymous variant.
Genome position (GRCh38, 1-based): chr10:86,890,216, C>T. VCF-style: chr10-86890216-C-T. GRCh37 (hg19) VCF-style: chr10-88649973-C-T.
Other names: c.222C>T (NM_004329.2).
Identifiers: ClinVar variation 1566034 (VCV001566034.10), dbSNP rs2133396713, ClinGen allele CA470304606.

ClinVar aggregate classification (germline): Benign/Likely benign. Review status: criteria provided, multiple submitters, no conflicts (2 of 4 stars). 3 submissions from 3 submitters: Benign (1); Likely benign (2). Last evaluated 2025-06-25.

Conditions:
Juvenile polyposis syndrome (JPS). Identifiers: Orphanet 2929, MedGen C0345893, MONDO:0017380, OMIM 174900.
Hereditary cancer-predisposing syndrome. Also called: Neoplastic Syndromes, Hereditary; Hereditary Cancer Syndrome; Hereditary neoplastic syndrome; Tumor predisposition. Identifiers: Orphanet 140162, MedGen C0027672, MeSH D009386, MONDO:0015356.

Submissions (3):

Ambry Genetics
Classification: Likely benign for Hereditary cancer-predisposing syndrome. Last evaluated: 2025-06-25. Review status: criteria provided, single submitter. Criteria: Ambry Variant Classification Scheme 2023. Collection method: clinical testing. Allele origin: germline.

Myriad Genetics, Inc.
Classification: Benign for Juvenile polyposis syndrome. Last evaluated: 2024-07-31. Review status: criteria provided, single submitter. Criteria: Myriad Autosomal Dominant, Autosomal Recessive and X-Linked Classification Criteria (2023). Collection method: clinical testing. Allele origin: unknown.
Comment: This variant is considered benign. This variant is a silent/synonymous amino acid change and it is not expected to impact splicing.

Labcorp Genetics (formerly Invitae), Labcorp
Classification: Likely benign for Juvenile polyposis syndrome. Last evaluated: 2023-09-23. Review status: criteria provided, single submitter. Criteria: Invitae Variant Classification Sherloc (09022015). Collection method: clinical testing. Allele origin: germline.